The following is an entry in ClinVar:

NM_007194.4(CHEK2):c.1152A>T (p.Leu384Phe)

Gene: CHEK2 (checkpoint kinase 2; minus strand). Cytogenetic location: 22q12.1.
Variant type: single nucleotide variant.
Coding change: c.1152A>T on transcript NM_007194.4 (MANE Select); coding-DNA position 1152, A replaced by T.
Protein change: p.Leu384Phe; replaces leucine 384 with phenylalanine.
Molecular consequence: missense variant.
Genome position (GRCh38, 1-based): chr22:28,695,817, T>A on the plus strand (A>T on the coding strand, the complement: CHEK2 is on the minus strand). VCF-style: chr22-28695817-T-A. GRCh37 (hg19) VCF-style: chr22-29091805-T-A.
Other names: c.1281A>T, p.Leu427Phe (NM_001005735.3); c.951A>T, p.Leu317Phe (NM_001349956.3); c.489A>T, p.Leu163Phe (NM_001257387.3); c.1065A>T, p.Leu355Phe (NM_145862.3); short protein forms L384F, L317F, L355F, L427F, L163F.
Identifiers: ClinVar variation 410055 (VCV000410055.14), dbSNP rs1060502715, ClinGen allele CA16616556.
Genomic context (GRCh38, chr22:28,695,817, plus strand): 5'-ATACCCAGCAGTCCCAACAGAAACAAGAACTTCAGGCGCCAAGTAGGTGGGGGTTCCACA[T>A]AAGGTTCTCATGAGAGAGGTCTCTCCCAAAATCTTGGAGTGCCCAAAATCAGTAATCTAA-3'
Protein context (NP_009125.1, residues 374-394): ILGETSLMRT[Leu384Phe]CGTPTYLAPE

ClinVar aggregate classification (germline): Uncertain significance. Review status: criteria provided, multiple submitters, no conflicts (2 of 4 stars). 2 submissions from 2 submitters: Uncertain significance (2). Last evaluated 2019-06-07.

Conditions:
Hereditary cancer-predisposing syndrome. Also called: Tumor predisposition; Hereditary Cancer Syndrome; Hereditary neoplastic syndrome; Neoplastic Syndromes, Hereditary. Identifiers: Orphanet 140162, MedGen C0027672, MeSH D009386, MONDO:0015356.
Familial cancer of breast. Also called: BREAST CANCER, FAMILIAL; Hereditary breast cancer; hereditary breast carcinoma. Identifiers: Orphanet 227535, MedGen C0346153, MONDO:0016419, OMIM 114480. Disease mechanism: loss of function.

Submissions (2):

Ambry Genetics
Classification: Uncertain significance for Hereditary cancer-predisposing syndrome. Last evaluated: 2019-06-07. Review status: criteria provided, single submitter. Criteria: Ambry Variant Classification Scheme 2023. Collection method: clinical testing. Allele origin: germline.
Comment: The p.L384F variant (also known as c.1152A>T), located in coding exon 10 of the CHEK2 gene, results from an A to T substitution at nucleotide position 1152. The leucine at codon 384 is replaced by phenylalanine, an amino acid with highly similar properties. This amino acid position is well conserved in available vertebrate species. In addition, the in silico prediction for this alteration is inconclusive. Since supporting evidence is limited at this time, the clinical significance of this alteration remains unclear.

Labcorp Genetics (formerly Invitae), Labcorp
Classification: Uncertain significance for Familial cancer of breast. Last evaluated: 2016-06-17. Review status: criteria provided, single submitter. Criteria: Invitae Variant Classification Sherloc (09022015). Collection method: clinical testing. Allele origin: germline.
Comment: In summary, this variant is a novel missense change with uncertain impact on protein function. It has been classified as a Variant of Uncertain Significance. Algorithms developed to predict the effect of missense changes on protein structure and function do not agree on the potential impact of this missense change (SIFT: "Deleterious"; PolyPhen-2: "Benign"; Align-GVGD: "Class C0"). This variant is not present in population databases (ExAC no frequency) and has not been reported in the literature in individuals with a CHEK2-related disease. This sequence change replaces leucine with phenylalanine at codon 384 of the CHEK2 protein (p.Leu384Phe). The leucine residue is highly conserved and there is a small physicochemical difference between leucine and phenylalanine.